The following is an entry in ClinVar:

NM_001267550.2(TTN):c.53390C>T (p.Thr17797Ile)

Genes: TTN (titin; minus strand), TTN-AS1 (TTN antisense RNA 1; plus strand), LOC126806425 (BRD4-independent group 4 enhancer GRCh37_chr2:179471933-179473132; plus strand). Cytogenetic location: 2q31.2.
Variant type: single nucleotide variant.
Coding change: c.53390C>T on transcript NM_001267550.2 (MANE Select); coding-DNA position 53390, C replaced by T.
Protein change: p.Thr17797Ile; replaces threonine 17797 with isoleucine.
Molecular consequence: missense variant.
Genome position (GRCh38, 1-based): chr2:178,607,212, G>A on the plus strand (C>T on the coding strand, the complement: TTN is on the minus strand). VCF-style: chr2-178607212-G-A. GRCh37 (hg19) VCF-style: chr2-179471939-G-A.
Other names: c.45686C>T, p.Thr15229Ile (NM_133378.4); c.48467C>T, p.Thr16156Ile (NM_001256850.1); c.26195C>T, p.Thr8732Ile (NM_003319.4); c.26570C>T, p.Thr8857Ile (NM_133432.3); c.26771C>T, p.Thr8924Ile (NM_133437.4); short protein forms T15229I, T17797I, T16156I, T8732I, T8924I, T8857I.
Identifiers: ClinVar variation 165988 (VCV000165988.6), dbSNP rs727503610, ClinGen allele CA178763.

ClinVar aggregate classification (germline): Uncertain significance. Review status: criteria provided, single submitter (1 of 4 stars). 2 submissions from 2 submitters: Uncertain significance (1). 1 of the submissions does not count toward it. Last evaluated 2014-01-27.

Conditions:
TTN-related disorder. Also called: TTN-related disorders; TTN-related condition; TTN-related disease.

Allele frequency attached by ClinVar (database versions not stated): gnomAD exomes below 0.00001 and 0.00001; gnomAD 0.00001; TOPMed 0.00001.
gnomAD v4.1: 7 of 1,612,888 alleles (0.00043%); highest among the groups gnomAD compares: Non-Finnish European, 0.00051%; no homozygotes.

Submissions (2):

Laboratory for Molecular Medicine, Mass General Brigham Personalized Medicine
Classification: Uncertain significance. Last evaluated: 2014-01-27. Review status: criteria provided, single submitter. Criteria: LMM Criteria. Collection method: clinical testing. Allele origin: germline. Observed: 1 variant allele.
Comment: Variant classified as Uncertain Significance - Favor Benign.

PreventionGenetics, part of Exact Sciences
Classification: Uncertain significance for TTN-related condition. Last evaluated: 2024-07-10. Review status: no assertion criteria provided. Collection method: clinical testing. Allele origin: germline. Not counted in ClinVar's aggregate classification.
Comment: The TTN c.53390C>T variant is predicted to result in the amino acid substitution p.Thr17797Ile. To our knowledge, this variant has not been reported in the literature. This variant is reported in 0.0023% of alleles in individuals of European (Non-Finnish) descent in gnomAD. At this time, the clinical significance of this variant is uncertain due to the absence of conclusive functional and genetic evidence.